The following is an entry in ClinVar:

ClinVar aggregate classification (germline): Uncertain significance. Review status: criteria provided, multiple submitters, no conflicts (2 of 4 stars). 2 submissions from 2 submitters: Uncertain significance (2). Last evaluated 2022-10-14.

Conditions:
Familial melanoma. Also called: Hereditary melanoma; Hereditary cutaneous melanoma. Identifiers: Orphanet 618, MedGen C1512419, MONDO:0018961.
Hereditary cancer-predisposing syndrome. Also called: Tumor predisposition; Neoplastic Syndromes, Hereditary; Hereditary Cancer Syndrome; Hereditary neoplastic syndrome. Identifiers: Orphanet 140162, MedGen C0027672, MeSH D009386, MONDO:0015356.

Allele frequency attached by ClinVar (database versions not stated): gnomAD 0.00001.

Submissions (2):

Ambry Genetics
Classification: Uncertain significance for Hereditary cancer-predisposing syndrome. Last evaluated: 2022-10-14. Review status: criteria provided, single submitter. Criteria: Ambry Variant Classification Scheme 2023. Collection method: clinical testing. Allele origin: germline.
Comment: The p.R139* variant (also known as c.415C>T), located in coding exon 3 of the CDK4 gene, results from a C to T substitution at nucleotide position 415. This changes the amino acid from an arginine to a stop codon within coding exon 3. This alteration is expected to result in loss of function by premature protein truncation or nonsense-mediated mRNA decay. However, loss of function of CDK4 has not been clearly established as a mechanism of disease. Since supporting evidence is limited at this time, the clinical significance of this alteration remains unclear.

Labcorp Genetics (formerly Invitae), Labcorp
Classification: Uncertain significance for Familial melanoma. Last evaluated: 2022-01-11. Review status: criteria provided, single submitter. Criteria: Invitae Variant Classification Sherloc (09022015). Collection method: clinical testing. Allele origin: germline.
Comment: This sequence change creates a premature translational stop signal (p.Arg139*) in the CDK4 gene. It is expected to result in an absent or disrupted protein product. However, the current clinical and genetic evidence is not sufficient to establish whether loss-of-function variants in CDK4 cause disease. This variant is present in population databases (rs753579957, gnomAD 0.004%). This variant has not been reported in the literature in individuals affected with CDK4-related conditions. In summary, the available evidence is currently insufficient to determine the role of this variant in disease. Therefore, it has been classified as a Variant of Uncertain Significance.

NM_000075.4(CDK4):c.415C>T (p.Arg139Ter)

Gene: CDK4 (cyclin dependent kinase 4; minus strand). Cytogenetic location: 12q14.1.
Variant type: single nucleotide variant.
Coding change: c.415C>T on transcript NM_000075.4 (MANE Select); coding-DNA position 415, C replaced by T.
Protein change: p.Arg139Ter; replaces arginine 139 with a stop codon.
Molecular consequence: nonsense.
Genome position (GRCh38, 1-based): chr12:57,751,030, G>A on the plus strand (C>T on the coding strand, the complement: CDK4 is on the minus strand). VCF-style: chr12-57751030-G-A. GRCh37 (hg19) VCF-style: chr12-58144813-G-A.
Other names: short protein forms R139*.
Identifiers: ClinVar variation 1384185 (VCV001384185.8), dbSNP rs753579957, ClinGen allele CA6657808.